The following is an entry in ClinVar:

ClinVar aggregate classification (germline): Uncertain significance. Review status: criteria provided, multiple submitters, no conflicts (2 of 4 stars). 2 submissions from 2 submitters: Uncertain significance (2). Last evaluated 2025-11-01.

Allele frequency attached by ClinVar (database versions not stated): gnomAD exomes below 0.00001; ExAC 0.00005.

Submissions (2):

CeGaT Center for Human Genetics Tuebingen
Classification: Uncertain significance. Last evaluated: 2025-11-01. Review status: criteria provided, single submitter. Criteria: CeGaT Center For Human Genetics Tuebingen Variant Classification Criteria Version 2. Collection method: clinical testing. Allele origin: germline. Affected: yes. Observed: 1 variant allele.
Comment: CLCN7: PP3

Labcorp Genetics (formerly Invitae), Labcorp
Classification: Uncertain significance. Last evaluated: 2022-08-13. Review status: criteria provided, single submitter. Criteria: Invitae Variant Classification Sherloc (09022015). Collection method: clinical testing. Allele origin: germline.
Comment: The frequency data for this variant in the population databases is considered unreliable, as metrics indicate poor data quality at this position in the gnomAD database. In summary, the available evidence is currently insufficient to determine the role of this variant in disease. Therefore, it has been classified as a Variant of Uncertain Significance. Advanced modeling of protein sequence and biophysical properties (such as structural, functional, and spatial information, amino acid conservation, physicochemical variation, residue mobility, and thermodynamic stability) performed at Invitae indicates that this missense variant is expected to disrupt CLCN7 protein function. This variant has not been reported in the literature in individuals affected with CLCN7-related conditions. This sequence change replaces arginine, which is basic and polar, with cysteine, which is neutral and slightly polar, at codon 717 of the CLCN7 protein (p.Arg717Cys).

NM_001287.6(CLCN7):c.2149C>T (p.Arg717Cys)

Gene: CLCN7 (Cl-/H+ antiporter 7; minus strand). Cytogenetic location: 16p13.3.
Variant type: single nucleotide variant.
Coding change: c.2149C>T on transcript NM_001287.6 (MANE Select); coding-DNA position 2149, C replaced by T.
Protein change: p.Arg717Cys; replaces arginine 717 with cysteine.
Molecular consequence: missense variant.
Genome position (GRCh38, 1-based): chr16:1,447,493, G>A on the plus strand (C>T on the coding strand, the complement: CLCN7 is on the minus strand). VCF-style: chr16-1447493-G-A. GRCh37 (hg19) VCF-style: chr16-1497494-G-A.
Other names: c.2077C>T, p.Arg693Cys (NM_001114331.3); short protein forms R693C, R717C.
Identifiers: ClinVar variation 1716412 (VCV001716412.11), dbSNP rs773973071, ClinGen allele CA7809904.